The following is an entry in ClinVar:

ClinVar aggregate classification (germline): Uncertain significance (1 of 4 stars; one submission).

Conditions:
Ataxia-telangiectasia syndrome (AT). Also called: Cerebello-oculocutaneous telangiectasia; Immunodeficiency with ataxia telangiectasia; Ataxia-telangiectasia, complementation group E; Ataxia-telangiectasia, complementation group D; AT, COMPLEMENTATION GROUP C; ATAXIA-TELANGIECTASIA, COMPLEMENTATION GROUP A. Identifiers: Orphanet 100, MedGen C0004135, MONDO:0008840, OMIM 208900.

Allele frequency attached by ClinVar (database versions not stated): gnomAD exomes below 0.00001.
gnomAD v4.1: 1 of 1,611,416 alleles (0.000062%); highest among the groups gnomAD compares: Non-Finnish European, 0.000085%; no homozygotes.

Submission:

Labcorp Genetics (formerly Invitae), Labcorp
Classification: Uncertain significance for Ataxia-telangiectasia syndrome. Last evaluated: 2018-03-31. Review status: criteria provided, single submitter. Criteria: Invitae Variant Classification Sherloc (09022015). Collection method: clinical testing. Allele origin: germline.
Comment: This sequence change replaces asparagine with serine at codon 2879 of the ATM protein (p.Asn2879Ser). The asparagine residue is weakly conserved and there is a small physicochemical difference between asparagine and serine. This variant is not present in population databases (ExAC no frequency). This variant has not been reported in the literature in individuals with ATM-related disease. Algorithms developed to predict the effect of missense changes on protein structure and function (SIFT, PolyPhen-2, Align-GVGD) all suggest that this variant is likely to be tolerated, but these predictions have not been confirmed by published functional studies and their clinical significance is uncertain. Algorithms developed to predict the effect of sequence changes on RNA splicing suggest that this variant may create or strengthen a splice site, but this prediction has not been confirmed by published transcriptional studies. In summary, the available evidence is currently insufficient to determine the role of this variant in disease. Therefore, it has been classified as a Variant of Uncertain Significance.

NM_000051.4(ATM):c.8636A>G (p.Asn2879Ser)

Genes: ATM (ATM serine/threonine kinase; plus strand), C11orf65 (chromosome 11 open reading frame 65; minus strand). Cytogenetic location: 11q22.3.
Variant type: single nucleotide variant.
Coding change: c.8636A>G on transcript NM_000051.4 (MANE Select); coding-DNA position 8636, A replaced by G.
Protein change: p.Asn2879Ser; replaces asparagine 2879 with serine.
Molecular consequence: missense variant. On other transcripts: intron variant (2).
Genome position (GRCh38, 1-based): chr11:108,347,330, A>G. VCF-style: chr11-108347330-A-G. GRCh37 (hg19) VCF-style: chr11-108218057-A-G.
Other names: c.8636A>G, p.Asn2879Ser (NM_001351834.2); c.641-38259T>C (NM_001330368.2); c.695-12038T>C (NM_001351110.2); short protein forms N2879S.
Identifiers: ClinVar variation 579401 (VCV000579401.9), dbSNP rs1565567277, ClinGen allele CA382520905.